The following is an entry in ClinVar:

NM_003612.5(SEMA7A):c.168C>G (p.Ala56=)

Genes: SEMA7A (semaphorin 7A (JohnMiltonHagen blood group); minus strand), LOC130057537 (ATAC-STARR-seq lymphoblastoid silent region 6651; plus strand). Cytogenetic location: 15q24.1.
Variant type: single nucleotide variant.
Coding change: c.168C>G on transcript NM_003612.5 (MANE Select); coding-DNA position 168, C replaced by G.
Protein change: p.Ala56=; no amino-acid change (alanine 56 retained).
Molecular consequence: synonymous variant.
Genome position (GRCh38, 1-based): chr15:74,433,751, G>C on the plus strand (C>G on the coding strand, the complement: SEMA7A is on the minus strand). VCF-style: chr15-74433751-G-C. GRCh37 (hg19) VCF-style: chr15-74726092-G-C.
Other names: c.168C>G, p.Ala56= (NM_001146029.3).
Identifiers: ClinVar variation 3049304 (VCV003049304.2), dbSNP rs543975316, ClinGen allele CA7657377.

ClinVar aggregate classification (germline): Likely benign (0 of 4 stars; one submission).

Conditions:
SEMA7A-related disorder. Also called: SEMA7A-related condition.

Allele frequency attached by ClinVar (database versions not stated): 1000 Genomes Project 30x 0.00016; 1000 Genomes Project 0.00020.
gnomAD v4.1: 683 of 1,444,326 alleles (0.047%); highest among the groups gnomAD compares: Non-Finnish European, 0.06%; no homozygotes.

Submission:

PreventionGenetics, part of Exact Sciences
Classification: Likely benign for SEMA7A-related condition. Last evaluated: 2019-07-23. Review status: no assertion criteria provided. Collection method: clinical testing. Allele origin: germline.
Comment: This variant is classified as likely benign based on ACMG/AMP sequence variant interpretation guidelines (Richards et al. 2015 PMID: 25741868, with internal and published modifications).